The following is an entry in ClinVar:

NM_000179.3(MSH6):c.1145A>T (p.His382Leu)

Gene: MSH6 (mutS homolog 6; plus strand). Cytogenetic location: 2p16.3.
Variant type: single nucleotide variant.
Coding change: c.1145A>T on transcript NM_000179.3 (MANE Select); coding-DNA position 1145, A replaced by T.
Protein change: p.His382Leu; replaces histidine 382 with leucine.
Molecular consequence: missense variant.
Genome position (GRCh38, 1-based): chr2:47,799,128, A>T. VCF-style: chr2-47799128-A-T. GRCh37 (hg19) VCF-style: chr2-48026267-A-T.
Other names: c.755A>T, p.His252Leu (NM_001281492.2); c.239A>T, p.His80Leu (NM_001281493.2, NM_001281494.2, NM_001406811.1 and 6 more transcripts); c.1241A>T, p.His414Leu (NM_001406795.1, NM_001406802.1); c.1145A>T, p.His382Leu (NM_001406796.1, NM_001406798.1, NM_001406800.1 and 4 more transcripts); c.848A>T, p.His283Leu (NM_001406797.1, NM_001406801.1, NM_001406805.1 and 10 more transcripts); c.620A>T, p.His207Leu (NM_001406799.1, NM_001406806.1, NM_001406807.1); c.1067A>T, p.His356Leu (NM_001406804.1); c.1151A>T, p.His384Leu (NM_001406813.1); and 1 more; short protein forms H207L, H382L, H384L, H414L, H283L, H252L, H326L, H356L.
Identifiers: ClinVar variation 1732332 (VCV001732332.2), dbSNP rs1558660701, ClinGen allele CA346742173.

ClinVar aggregate classification (germline): Uncertain significance (1 of 4 stars; one submission).

Conditions:
Hereditary cancer-predisposing syndrome. Also called: Neoplastic Syndromes, Hereditary; Tumor predisposition; Hereditary Cancer Syndrome; Hereditary neoplastic syndrome. Identifiers: Orphanet 140162, MedGen C0027672, MeSH D009386, MONDO:0015356.

Submission:

Ambry Genetics
Classification: Uncertain significance for Hereditary cancer-predisposing syndrome. Last evaluated: 2019-09-03. Review status: criteria provided, single submitter. Criteria: Ambry Variant Classification Scheme 2023. Collection method: clinical testing. Allele origin: germline.
Comment: The p.H382L variant (also known as c.1145A>T), located in coding exon 4 of the MSH6 gene, results from an A to T substitution at nucleotide position 1145. The histidine at codon 382 is replaced by leucine, an amino acid with similar properties. This amino acid position is poorly conserved in available vertebrate species. In addition, this alteration is predicted to be tolerated by in silico analysis. Since supporting evidence is limited at this time, the clinical significance of this alteration remains unclear.